The following is an entry in ClinVar:

ClinVar aggregate classification (germline): Uncertain significance (1 of 4 stars; one submission).

Allele frequency attached by ClinVar (database versions not stated): TOPMed below 0.00001; gnomAD exomes 0.00001; ExAC 0.00004.
gnomAD v4.1: 11 of 1,612,126 alleles (0.00068%); highest among the groups gnomAD compares: Middle Eastern, 0.039%; no homozygotes.

Submission:

GeneDx
Classification: Uncertain significance. Last evaluated: 2022-10-18. Review status: criteria provided, single submitter. Criteria: GeneDx Variant Classification Process June 2021. Collection method: clinical testing. Allele origin: germline. Affected: yes.
Comment: In silico analysis is inconclusive as to whether the variant alters gene splicing. In the absence of RNA/functional studies, the actual effect of this sequence change is unknown.; Has not been previously published as pathogenic or benign to our knowledge; Reported using an alternate transcript of the gene; Variants in candidate genes are classified as variants of uncertain significance in accordance with ACMG guidelines (Richards et al., 2015)

NM_020987.5(ANK3):c.2949G>T (p.Gly983=)

Gene: ANK3 (ankyrin 3; minus strand). Cytogenetic location: 10q21.2.
Variant type: single nucleotide variant.
Coding change: c.2949G>T on transcript NM_020987.5 (MANE Select); coding-DNA position 2949, G replaced by T.
Protein change: p.Gly983=; no amino-acid change (glycine 983 retained).
Molecular consequence: synonymous variant.
Genome position (GRCh38, 1-based): chr10:60,109,054, C>A on the plus strand (G>T on the coding strand, the complement: ANK3 is on the minus strand). VCF-style: chr10-60109054-C-A. GRCh37 (hg19) VCF-style: chr10-61868812-C-A.
Other names: c.351G>T, p.Gly117= (NM_001149.4); c.2931G>T, p.Gly977= (NM_001204403.2); c.2952G>T, p.Gly984= (NM_001204404.2); c.2949G>T, p.Gly983= (NM_001320874.2).
Identifiers: ClinVar variation 2662856 (VCV002662856.1), dbSNP rs765402364, ClinGen allele CA5512594.